The following is an entry in ClinVar:

NM_001355436.2(SPTB):c.2910C>G (p.Ile970Met)

Gene: SPTB (spectrin beta, erythrocytic; minus strand). Cytogenetic location: 14q23.3.
Variant type: single nucleotide variant.
Coding change: c.2910C>G on transcript NM_001355436.2 (MANE Select); coding-DNA position 2910, C replaced by G.
Protein change: p.Ile970Met; replaces isoleucine 970 with methionine.
Molecular consequence: missense variant.
Genome position (GRCh38, 1-based): chr14:64,787,055, G>C on the plus strand (C>G on the coding strand, the complement: SPTB is on the minus strand). VCF-style: chr14-64787055-G-C. GRCh37 (hg19) VCF-style: chr14-65253773-G-C.
Other names: c.2910C>G, p.Ile970Met (NM_001024858.4, NM_001355437.2); short protein forms I970M.
Identifiers: ClinVar variation 4798805 (VCV004798805.1).

ClinVar aggregate classification (germline): Uncertain significance (1 of 4 stars; one submission).

Submission:

Labcorp Genetics (formerly Invitae), Labcorp
Classification: Uncertain significance. Last evaluated: 2025-07-15. Review status: criteria provided, single submitter. Criteria: Invitae Variant Classification Sherloc (09022015). Collection method: clinical testing. Allele origin: germline.
Comment: This sequence change replaces isoleucine, which is neutral and non-polar, with methionine, which is neutral and non-polar, at codon 970 of the SPTB protein (p.Ile970Met). This variant is not present in population databases (gnomAD no frequency). This variant has not been reported in the literature in individuals affected with SPTB-related conditions. An algorithm developed to predict the effect of missense changes on protein structure and function (PolyPhen-2) suggests that this variant is likely to be disruptive. In summary, the available evidence is currently insufficient to determine the role of this variant in disease. Therefore, it has been classified as a Variant of Uncertain Significance.